The following is an entry in ClinVar:

ClinVar aggregate classification (germline): Uncertain significance (1 of 4 stars; one submission).

Conditions:
Inborn genetic diseases. Identifiers: MedGen C0950123, MeSH D030342.

gnomAD v4.1: 1 of 1,613,630 alleles (0.000062%); highest among the groups gnomAD compares: Non-Finnish European, 0.000085%; no homozygotes.

Submission:

Ambry Genetics
Classification: Uncertain significance for Inborn genetic diseases. Last evaluated: 2024-05-16. Review status: criteria provided, single submitter. Criteria: Ambry Variant Classification Scheme 2023. Collection method: clinical testing. Allele origin: germline.
Comment: The p.R1895L variant (also known as c.5684G>T), located in coding exon 39 of the LRRK2 gene, results from a G to T substitution at nucleotide position 5684. The arginine at codon 1895 is replaced by leucine, an amino acid with dissimilar properties. This amino acid position is conserved. In addition, this alteration is predicted to be deleterious by in silico analysis. Based on the available evidence, the clinical significance of this variant remains unclear.

NM_198578.4(LRRK2):c.5684G>T (p.Arg1895Leu)

Gene: LRRK2 (leucine rich repeat kinase 2; plus strand). Cytogenetic location: 12q12.
Variant type: single nucleotide variant.
Coding change: c.5684G>T on transcript NM_198578.4 (MANE Select); coding-DNA position 5684, G replaced by T.
Protein change: p.Arg1895Leu; replaces arginine 1895 with leucine.
Molecular consequence: missense variant.
Genome position (GRCh38, 1-based): chr12:40,328,387, G>T. VCF-style: chr12-40328387-G-T. GRCh37 (hg19) VCF-style: chr12-40722189-G-T.
Other names: short protein forms R1895L.
Identifiers: ClinVar variation 3292014 (VCV003292014.1).
Genomic context (GRCh38, chr12:40,328,387, plus strand): 5'-TAATTTAAGTGCTTTGTATTTTCTTTTCAAAAGGTGATGGCAGTTTTGGATCAGTTTACC[G>T]AGCAGCCTATGAAGGAGAAGAAGTGGCTGTGAAGATTTTTAATAAACATACATCACTCAG-3'
Protein context (NP_940980.4, residues 1885-1905): LGDGSFGSVY[Arg1895Leu]AAYEGEEVAV